The following is an entry in ClinVar:

NM_000501.4(ELN):c.131del (p.Pro44fs)

Gene: ELN (elastin; plus strand). Cytogenetic location: 7q11.23.
Variant type: Deletion.
Coding change: c.131del on transcript NM_000501.4 (MANE Select); coding-DNA position 131, one base deleted (C; older notation c.131delC).
Protein change: p.Pro44fs; shifts the reading frame from proline 44.
Molecular consequence: frameshift variant.
Genome position (GRCh38, 1-based): chr7:74,035,412, C deleted; the last of 2 consecutive C bases (chr7:74,035,411-74,035,412); deleting either gives the same sequence. VCF-style (leftmost placement, unchanged base first): chr7-74035410-TC-T. GRCh37 (hg19) VCF-style: chr7-73449740-TC-T.
Other names: c.131del, p.Pro44fs (NM_001081752.3, NM_001081753.3, NM_001081754.3 and 9 more transcripts); short protein forms P44fs.
Identifiers: ClinVar variation 163382 (VCV000163382.4), dbSNP rs727503023, ClinGen allele CA281468.

ClinVar aggregate classification (germline): Pathogenic (1 of 4 stars; one submission).

Conditions:
Supravalvar aortic stenosis (SVAS). Also called: Supravalvar aortic stenosis, Eisenberg type. Identifiers: Orphanet 3193, MedGen C0003499, MONDO:0008504, OMIM 185500, HP:0004381.

Submission:

Laboratory for Molecular Medicine, Mass General Brigham Personalized Medicine
Classification: Pathogenic for Supravalvular aortic stenosis. Last evaluated: 2013-03-19. Review status: criteria provided, single submitter. Criteria: LMM Criteria. Collection method: clinical testing. Allele origin: germline. Inheritance: Autosomal dominant inheritance. Observed: 3 variant alleles.
Comment: This vari ant results in a frameshift beginning at position 44 and leads to a premature st op codon 78 amino acids downstream. This alteration is predicted to lead to a tr uncated or absent protein. Truncating variants in ELN are an established cause o f SVAS (Human Gene Mutation Database, HGMD). In summary, the Pro44fs variant mee ts our criteria for pathogenicity.